The following is an entry in ClinVar:

NM_006204.4(PDE6C):c.801G>A (p.Thr267=)

Gene: PDE6C (phosphodiesterase 6C; plus strand). Cytogenetic location: 10q23.33.
Variant type: single nucleotide variant.
Coding change: c.801G>A on transcript NM_006204.4 (MANE Select); coding-DNA position 801, G replaced by A.
Protein change: p.Thr267=; no amino-acid change (threonine 267 retained).
Molecular consequence: synonymous variant.
Genome position (GRCh38, 1-based): chr10:93,622,009, G>A. VCF-style: chr10-93622009-G-A. GRCh37 (hg19) VCF-style: chr10-95381766-G-A.
Other names: c.801G>A (NM_006204.3).
Identifiers: ClinVar variation 2052757 (VCV002052757.6), dbSNP rs368349901, ClinGen allele CA5609946.
Genomic context (GRCh38, chr10:93,622,009, plus strand): 5'-CAATAAAGTATTTGAAGAACTCACAGATGTTGAGCGACAGTTTCACAAAGCGCTCTACAC[G>A]GTTAGATCATATCTGAACTGTGAACGATACTCCATTGGACTGCTGGACATGACCAAGGAG-3'
Protein context (NP_006195.3, residues 257-277): VERQFHKALY[Thr267=]VRSYLNCERY

ClinVar aggregate classification (germline): Likely benign. Review status: criteria provided, multiple submitters, no conflicts (2 of 4 stars). 3 submissions from 3 submitters: Likely benign (3). Last evaluated 2026-01-12.

Conditions:
PDE6C-related disorder. Also called: PDE6C-related condition.

Allele frequency attached by ClinVar (database versions not stated): ExAC 0.00002; gnomAD exomes 0.00006; ESP Exome Variant Server 0.00008; gnomAD 0.00009.
gnomAD v4.1: 99 of 1,613,596 alleles (0.0061%); highest among the groups gnomAD compares: Non-Finnish European, 0.0075%; no homozygotes.

Submissions (3):

Labcorp Genetics (formerly Invitae), Labcorp
Classification: Likely benign. Last evaluated: 2026-01-12. Review status: criteria provided, single submitter. Criteria: Invitae Variant Classification Sherloc (09022015). Collection method: clinical testing. Allele origin: germline.

PreventionGenetics, part of Exact Sciences
Classification: Likely benign for PDE6C-related condition. Last evaluated: 2025-10-05. Review status: criteria provided, single submitter. Criteria: ACMG Guidelines, 2015. Collection method: clinical testing. Allele origin: germline.
Comment: This variant is classified as likely benign based on ACMG/AMP sequence variant interpretation guidelines (Richards et al. 2015 PMID: 25741868, with internal and published modifications).

Blueprint Genetics
Classification: Likely benign. Last evaluated: 2021-09-28. Review status: criteria provided, single submitter. Criteria: ACMG Guidelines, 2015. Collection method: clinical testing. Allele origin: germline.